The following is an entry in ClinVar:

ClinVar aggregate classification (germline): Uncertain significance (1 of 4 stars; one submission).

Conditions:
SNAI2-related disorder. Also called: SNAI2-related condition.

Submission:

PreventionGenetics, part of Exact Sciences
Classification: Uncertain significance for SNAI2-related condition. Last evaluated: 2025-11-04. Review status: criteria provided, single submitter. Criteria: ACMG Guidelines, 2015. Collection method: clinical testing. Allele origin: germline.
Comment: The SNAI2 c.646C>T variant is predicted to result in the amino acid substitution p.Pro216Ser. To our knowledge, this variant has not been reported in the literature or in a large population database (gnomAD), indicating this variant is rare. At this time, the clinical significance of this variant is uncertain due to the absence of conclusive functional and genetic evidence.

NM_003068.5(SNAI2):c.646C>T (p.Pro216Ser)

Gene: SNAI2 (snail family transcriptional repressor 2; minus strand). Cytogenetic location: 8q11.21.
Variant type: single nucleotide variant.
Coding change: c.646C>T on transcript NM_003068.5 (MANE Select); coding-DNA position 646, C replaced by T.
Protein change: p.Pro216Ser; replaces proline 216 with serine.
Molecular consequence: missense variant.
Genome position (GRCh38, 1-based): chr8:48,918,968, G>A on the plus strand (C>T on the coding strand, the complement: SNAI2 is on the minus strand). VCF-style: chr8-48918968-G-A. GRCh37 (hg19) VCF-style: chr8-49831527-G-A.
Other names: short protein forms P216S.
Identifiers: ClinVar variation 4996274 (VCV004996274.1).
Genomic context (GRCh38, chr8:48,918,968, plus strand): 5'-AATGGGTCTGCAGATGAGCCCTCAGATTTGACCTGTCTGCAAATGCTCTGTTGCAGTGAG[G>A]GCAAGAAAAAGGCTTCTCCCCTGGGGGTGGAGTGGGAGAAAAAAAGAAAGACAGTCAGTG-3'
Protein context (NP_003059.1, residues 206-226): THTGEKPFSC[Pro216Ser]HCNRAFADRS